The following is an entry in ClinVar:

ClinVar aggregate classification (germline): Likely pathogenic (1 of 4 stars; one submission).

Conditions:
Glutaric aciduria, type 1. Also called: Glutaricaciduria, type I; GA I; Glutaric acidemia type I; Glutaricacidemia Type 1; Glutaryl-CoA dehydrogenase deficiency; Glutaric Acidemia Type 1. Identifiers: Orphanet 25, MedGen C0268595, MONDO:0009281, OMIM 231670.

Submission:

Myriad Genetics, Inc.
Classification: Likely pathogenic for Glutaric aciduria, type 1. Last evaluated: 2020-01-01. Review status: criteria provided, single submitter. Criteria: Myriad Women's Health Autosomal Recessive and X-Linked Classification Criteria (2019). Collection method: clinical testing. Allele origin: unknown.
Comment: NM_000159.2(GCDH):c.229G>T(E77*) is expected to be pathogenic in the context of glutaric acidemia, GCDH-related. This variant is predicted to lead to an abnormal or absent protein product due to the creation of a premature termination codon in GCDH, a gene where loss-of-function variants are known to be pathogenic. Please note: this variant was assessed in the context of healthy population screening.

NM_000159.4(GCDH):c.229G>T (p.Glu77Ter)

Genes: GCDH (glutaryl-CoA dehydrogenase; plus strand), LOC117125594 (CRISPRi-FlowFISH-validated KLF1 regulatory element; plus strand). Cytogenetic location: 19p13.13.
Variant type: single nucleotide variant.
Coding change: c.229G>T on transcript NM_000159.4 (MANE Select); coding-DNA position 229, G replaced by T.
Protein change: p.Glu77Ter; replaces glutamic acid 77 with a stop codon.
Molecular consequence: nonsense. On other transcripts: non-coding transcript variant (2).
Genome position (GRCh38, 1-based): chr19:12,891,932, G>T. VCF-style: chr19-12891932-G-T. GRCh37 (hg19) VCF-style: chr19-13002746-G-T.
Other names: c.229G>T, p.Glu77Ter (NM_013976.5); short protein forms E77*.
Identifiers: ClinVar variation 984310 (VCV000984310.3), dbSNP rs1302922191, ClinGen allele CA404315329.